The following is an entry in ClinVar:

ClinVar aggregate classification (germline): Uncertain significance (1 of 4 stars; one submission).

Submission:

Labcorp Genetics (formerly Invitae), Labcorp
Classification: Uncertain significance. Last evaluated: 2025-11-24. Review status: criteria provided, single submitter. Criteria: Invitae Variant Classification Sherloc (09022015). Collection method: clinical testing. Allele origin: germline.
Comment: This sequence change falls in intron 25 of the OPA1 gene. It does not directly change the encoded amino acid sequence of the OPA1 protein. It affects a nucleotide within the consensus splice site. This variant is not present in population databases (gnomAD no frequency). This variant has not been reported in the literature in individuals affected with OPA1-related conditions. ClinVar contains an entry for this variant (Variation ID: 2016203). Variants that disrupt the consensus splice site are a relatively common cause of aberrant splicing (PMID: 17576681, 9536098). Algorithms developed to predict the effect of sequence changes on RNA splicing suggest that this variant is not likely to affect RNA splicing. In summary, the available evidence is currently insufficient to determine the role of this variant in disease. Therefore, it has been classified as a Variant of Uncertain Significance.

Literature cited by the submitters: PubMed 17576681; PubMed 9536098.

NM_130837.3(OPA1):c.2778+3A>G

Gene: OPA1 (OPA1 mitochondrial dynamin like GTPase; plus strand). Cytogenetic location: 3q29.
Variant type: single nucleotide variant.
Coding change: c.2778+3A>G on transcript NM_130837.3 (MANE Select); 3 bases into the intron after coding-DNA position 2778, A replaced by G.
Molecular consequence: intron variant.
Genome position (GRCh38, 1-based): chr3:193,664,999, A>G. VCF-style: chr3-193664999-A-G. GRCh37 (hg19) VCF-style: chr3-193382788-A-G.
Other names: c.2241+3A>G (NM_001354664.2); c.2244+3A>G (NM_001354663.2); c.2667+3A>G (NM_130834.3); c.2724+3A>G (NM_130836.3); c.2613+3A>G (NM_015560.3); c.2670+3A>G (NM_130835.3); c.2559+3A>G (NM_130832.3); c.2616+3A>G (NM_130833.3); and 1 more.
Identifiers: ClinVar variation 2016203 (VCV002016203.4), dbSNP rs2475167268, ClinGen allele CA2580070545.
Genomic context (GRCh38, chr3:193,664,999, plus strand): 5'-TTGTAACCTTTGTCGAAGAGGTTTTTATTACTACCAAAGGCATTTTGTAGATTCTGAGGT[A>G]AGGTTTCCAAAAACAAAGAGAAGTATTTTTAAGCAACAGTTGTCAAAATATGCTTAAAAG-3'